The following is an entry in ClinVar:

NM_001277062.2(MFF):c.599+14C>T

Gene: MFF (mitochondrial fission factor; plus strand). Cytogenetic location: 2q36.3.
Variant type: single nucleotide variant.
Coding change: c.599+14C>T on transcript NM_001277062.2 (MANE Select); 14 bases into the intron after coding-DNA position 599, C replaced by T.
Molecular consequence: intron variant.
Genome position (GRCh38, 1-based): chr2:227,347,398, C>T. VCF-style: chr2-227347398-C-T. GRCh37 (hg19) VCF-style: chr2-228212114-C-T.
Other names: c.752+14C>T (NM_001277061.2, NM_020194.5); c.515+4579C>T (NM_001277063.2); c.441-5116C>T (NM_001277064.2); c.440+7018C>T (NM_001277065.2, NM_001277066.2); c.449+14C>T (NM_001277067.1); c.482+14C>T (NM_001277068.1).
Identifiers: ClinVar variation 383024 (VCV000383024.1), dbSNP rs369599652, ClinGen allele CA2147990.

ClinVar aggregate classification (germline): Likely benign (1 of 4 stars; one submission).

Allele frequency attached by ClinVar (database versions not stated): ExAC 0.00002; TOPMed 0.00002; gnomAD 0.00003; gnomAD exomes 0.00003 and 0.00006; ESP Exome Variant Server 0.00008.
gnomAD v4.1: 90 of 1,612,534 alleles (0.0056%); highest among the groups gnomAD compares: Non-Finnish European, 0.0074%; no homozygotes.

Submission:

GeneDx
Classification: Likely benign. Last evaluated: 2018-02-07. Review status: criteria provided, single submitter. Criteria: GeneDx Variant Classification (06012015). Collection method: clinical testing. Allele origin: germline. Affected: yes.
Comment: This variant is considered likely benign or benign based on one or more of the following criteria: it is a conservative change, it occurs at a poorly conserved position in the protein, it is predicted to be benign by multiple in silico algorithms, and/or has population frequency not consistent with disease.